The following is an entry in ClinVar:

NC_000011.9:g.(?_78189464)_(78189749_?)del

Gene: NARS2 (asparaginyl-tRNA synthetase 2, mitochondrial; minus strand). Cytogenetic location: 11q14.1.
Variant type: Deletion.
Identifiers: ClinVar variation 1460220 (VCV001460220.5).

ClinVar aggregate classification (germline): Pathogenic (1 of 4 stars; one submission).

Submission:

Labcorp Genetics (formerly Invitae), Labcorp
Classification: Pathogenic. Last evaluated: 2023-08-29. Review status: criteria provided, single submitter. Criteria: Invitae Variant Classification Sherloc (09022015). Collection method: clinical testing. Allele origin: germline.
Comment: For these reasons, this variant has been classified as Pathogenic. A similar copy number variant has been observed in individual(s) with clinical features of combined oxidative phosphorylation deficiency (PMID: 26402642). This variant is a gross deletion of the genomic region encompassing exon(s) 8-9 of the NARS2 gene. This deletion is out-of-frame, and is expected to create a premature termination codon and result in an absent or disrupted protein product. Loss-of-function variants in NARS2 are known to be pathogenic (PMID: 25807530, 26402642).

Literature cited by the submitters: PubMed 26402642; PubMed 25807530.